The following is an entry in ClinVar:

ClinVar aggregate classification (germline): Uncertain significance (1 of 4 stars; one submission).

Conditions:
Hereditary cancer-predisposing syndrome. Also called: Hereditary Cancer Syndrome; Hereditary neoplastic syndrome; Tumor predisposition; Neoplastic Syndromes, Hereditary. Identifiers: Orphanet 140162, MedGen C0027672, MeSH D009386, MONDO:0015356.

Submission:

Ambry Genetics
Classification: Uncertain significance for Hereditary cancer-predisposing syndrome. Last evaluated: 2024-10-24. Review status: criteria provided, single submitter. Criteria: Ambry Variant Classification Scheme 2023. Collection method: clinical testing. Allele origin: germline.
Comment: The p.Q52E variant (also known as c.154C>G), located in coding exon 1 of the GREM1 gene, results from a C to G substitution at nucleotide position 154. The glutamine at codon 52 is replaced by glutamic acid, an amino acid with highly similar properties. This amino acid position is conserved. In addition, this alteration is predicted to be tolerated by in silico analysis. Based on the available evidence, the clinical significance of this variant remains unclear.

NM_013372.7(GREM1):c.154C>G (p.Gln52Glu)

Gene: GREM1 (gremlin 1, DAN family BMP antagonist; plus strand). Cytogenetic location: 15q13.3.
Variant type: single nucleotide variant.
Coding change: c.154C>G on transcript NM_013372.7 (MANE Select); coding-DNA position 154, C replaced by G.
Protein change: p.Gln52Glu; replaces glutamine 52 with glutamic acid.
Molecular consequence: missense variant. On other transcripts: intron variant (2).
Genome position (GRCh38, 1-based): chr15:32,730,844, C>G. VCF-style: chr15-32730844-C-G. GRCh37 (hg19) VCF-style: chr15-33023045-C-G.
Other names: c.154C>G, p.Gln52Glu (NM_001368719.1); c.114+40C>G (NM_001191323.2); c.28-84C>G (NM_001191322.2); short protein forms Q52E.
Identifiers: ClinVar variation 3522516 (VCV003522516.1).
Genomic context (GRCh38, chr15:32,730,844, plus strand): 5'-GCCATCCCCCCGCCAGACAAGGCCCAGCACAATGACTCAGAGCAGACTCAGTCGCCCCAG[C>G]AGCCTGGCTCCAGGAACCGGGGGCGGGGCCAAGGGCGGGGCACTGCCATGCCCGGGGAGG-3'
Protein context (NP_037504.1, residues 42-62): NDSEQTQSPQ[Gln52Glu]PGSRNRGRGQ